The following is an entry in ClinVar:

ClinVar aggregate classification (germline): Uncertain significance (1 of 4 stars; one submission).

Conditions:
Charcot-Marie-Tooth disease type 4. Also called: Charcot-Marie-Tooth disease, type IV; Charcot-Marie-Tooth, Type 4. Identifiers: Orphanet 64749, MedGen C4082197, MONDO:0018995.

Allele frequency attached by ClinVar (database versions not stated): TOPMed 0.00001.

Submission:

Labcorp Genetics (formerly Invitae), Labcorp
Classification: Uncertain significance for Charcot-Marie-Tooth disease type 4. Last evaluated: 2022-07-26. Review status: criteria provided, single submitter. Criteria: Invitae Variant Classification Sherloc (09022015). Collection method: clinical testing. Allele origin: germline.
Comment: In summary, the available evidence is currently insufficient to determine the role of this variant in disease. Therefore, it has been classified as a Variant of Uncertain Significance. Advanced modeling of protein sequence and biophysical properties (such as structural, functional, and spatial information, amino acid conservation, physicochemical variation, residue mobility, and thermodynamic stability) performed at Invitae indicates that this missense variant is expected to disrupt MTMR2 protein function. ClinVar contains an entry for this variant (Variation ID: 1502465). This variant has not been reported in the literature in individuals affected with MTMR2-related conditions. This variant is not present in population databases (gnomAD no frequency). This sequence change replaces histidine, which is basic and polar, with tyrosine, which is neutral and polar, at codon 511 of the MTMR2 protein (p.His511Tyr).

NM_016156.6(MTMR2):c.1531C>T (p.His511Tyr)

Gene: MTMR2 (myotubularin related protein 2; minus strand). Cytogenetic location: 11q21.
Variant type: single nucleotide variant.
Coding change: c.1531C>T on transcript NM_016156.6 (MANE Select); coding-DNA position 1531, C replaced by T.
Protein change: p.His511Tyr; replaces histidine 511 with tyrosine.
Molecular consequence: missense variant.
Genome position (GRCh38, 1-based): chr11:95,838,156, G>A on the plus strand (C>T on the coding strand, the complement: MTMR2 is on the minus strand). VCF-style: chr11-95838156-G-A. GRCh37 (hg19) VCF-style: chr11-95571320-G-A.
Other names: c.1315C>T, p.His439Tyr (NM_001243571.2, NM_201278.3, NM_201281.3); short protein forms H439Y, H511Y.
Identifiers: ClinVar variation 1502465 (VCV001502465.6), dbSNP rs761100126, ClinGen allele CA382416803.